The following is an entry in ClinVar:

NM_005591.4(MRE11):c.1648T>G (p.Leu550Val)

Gene: MRE11 (MRE11 double strand break repair nuclease; minus strand). Cytogenetic location: 11q21.
Variant type: single nucleotide variant.
Coding change: c.1648T>G on transcript NM_005591.4 (MANE Select); coding-DNA position 1648, T replaced by G.
Protein change: p.Leu550Val; replaces leucine 550 with valine.
Molecular consequence: missense variant.
Genome position (GRCh38, 1-based): chr11:94,447,354, A>C on the plus strand (T>G on the coding strand, the complement: MRE11 is on the minus strand). VCF-style: chr11-94447354-A-C. GRCh37 (hg19) VCF-style: chr11-94180520-A-C.
Other names: c.1648T>G, p.Leu550Val (NM_001330347.2, NM_005590.4); short protein forms L550V.
Identifiers: ClinVar variation 1800297 (VCV001800297.2), dbSNP rs752370783, ClinGen allele CA382368496.
Genomic context (GRCh38, chr11:94,447,354, plus strand): 5'-TTCCTTTGTTGGTTGCTGCTGAGATGCTATCATCAGAGTCATTAGCCATCTGTTCTGCTA[A>C]ATCTATACTCATAAGGTCATCAGCACTAAAGGCAGAAGCAGACTCCTCTGACTGAGATCT-3'
Protein context (NP_005582.1, residues 540-560): FSADDLMSID[Leu550Val]AEQMANDSDD

ClinVar aggregate classification (germline): Uncertain significance (1 of 4 stars; one submission).

Conditions:
Hereditary cancer-predisposing syndrome. Also called: Neoplastic Syndromes, Hereditary; Tumor predisposition; Hereditary Cancer Syndrome; Hereditary neoplastic syndrome. Identifiers: Orphanet 140162, MedGen C0027672, MeSH D009386, MONDO:0015356.

Submission:

Ambry Genetics
Classification: Uncertain significance for Hereditary cancer-predisposing syndrome. Last evaluated: 2020-06-12. Review status: criteria provided, single submitter. Criteria: Ambry Variant Classification Scheme 2023. Collection method: clinical testing. Allele origin: germline.
Comment: The p.L550V variant (also known as c.1648T>G), located in coding exon 14 of the MRE11A gene, results from a T to G substitution at nucleotide position 1648. The leucine at codon 550 is replaced by valine, an amino acid with highly similar properties. This amino acid position is not well conserved in available vertebrate species. In addition, this alteration is predicted to be tolerated by in silico analysis. Since supporting evidence is limited at this time, the clinical significance of this alteration remains unclear.